The following is an entry in ClinVar:

NM_006940.6(SOX5):c.1448T>C (p.Val483Ala)

Gene: SOX5 (SRY-box transcription factor 5; minus strand). Cytogenetic location: 12p12.1.
Variant type: single nucleotide variant.
Coding change: c.1448T>C on transcript NM_006940.6 (MANE Select); coding-DNA position 1448, T replaced by C.
Protein change: p.Val483Ala; replaces valine 483 with alanine.
Molecular consequence: missense variant. On other transcripts: intron variant (1).
Genome position (GRCh38, 1-based): chr12:23,563,298, A>G on the plus strand (T>C on the coding strand, the complement: SOX5 is on the minus strand). VCF-style: chr12-23563298-A-G. GRCh37 (hg19) VCF-style: chr12-23716232-A-G.
Other names: c.1418T>C, p.Val473Ala (NM_001261415.3); c.1343T>C, p.Val448Ala (NM_001330785.2); c.1409T>C, p.Val470Ala (NM_152989.5); c.290T>C, p.Val97Ala (NM_178010.4); c.1126-16874T>C (NM_001261414.3); c.1448T>C (NM_006940.4); short protein forms V448A, V470A, V473A, V483A, V97A.
Identifiers: ClinVar variation 2629985 (VCV002629985.2), dbSNP rs781407501, ClinGen allele CA6484051.

ClinVar aggregate classification (germline): Uncertain significance. Review status: criteria provided, multiple submitters, no conflicts (2 of 4 stars). 2 submissions from 2 submitters: Uncertain significance (2). Last evaluated 2024-10-29.

Conditions:
Inborn genetic diseases. Identifiers: MedGen C0950123, MeSH D030342.
SOX5-related disorder. Also called: SOX5-related condition.

Allele frequency attached by ClinVar (database versions not stated): ExAC 0.00001; gnomAD exomes 0.00001.
gnomAD v4.1: 9 of 1,614,048 alleles (0.00056%); highest among the groups gnomAD compares: Non-Finnish European, 0.00068%; no homozygotes.

Submissions (2):

Ambry Genetics
Classification: Uncertain significance for Inborn genetic diseases. Last evaluated: 2024-10-29. Review status: criteria provided, single submitter. Criteria: Ambry Variant Classification Scheme 2023. Collection method: clinical testing. Allele origin: germline.

PreventionGenetics, part of Exact Sciences
Classification: Uncertain significance for SOX5-related condition. Last evaluated: 2023-01-09. Review status: criteria provided, single submitter. Criteria: ACMG Guidelines, 2015. Collection method: clinical testing. Allele origin: germline.
Comment: The SOX5 c.1448T>C variant is predicted to result in the amino acid substitution p.Val483Ala. To our knowledge, this variant has not been reported in the literature. This variant is reported in 0.0054% of alleles in individuals of East Asian descent in gnomAD. At this time, the clinical significance of this variant is uncertain due to the absence of conclusive functional and genetic evidence.